The following is an entry in ClinVar:

ClinVar aggregate classification (germline): Conflicting classifications of pathogenicity. Review status: criteria provided, conflicting classifications (1 of 4 stars). 4 submissions from 4 submitters: Uncertain significance (2); Likely benign (2). Last evaluated 2025-11-26.

Conditions:
Cardiovascular phenotype. Identifiers: MedGen CN230736.
Brugada syndrome. Also called: Sudden Unexplained Death Syndrome; Sudden Unexplained Nocturnal Death Syndrome (SUNDS); Sudden unexplained nocturnal death syndrome; Sudden unexpected nocturnal death syndrome. Identifiers: Orphanet 130, MedGen C1142166, MONDO:0015263.

Allele frequency attached by ClinVar (database versions not stated): gnomAD exomes 0.00008 and 0.00004; gnomAD 0.00036 and 0.00034; TOPMed 0.00040; 1000 Genomes Project 0.00020; ESP Exome Variant Server 0.00046; ExAC 0.00007; 1000 Genomes Project 30x 0.00016.

Submissions (4):

GeneDx
Classification: Uncertain significance. Last evaluated: 2025-11-26. Review status: criteria provided, single submitter. Criteria: GeneDx Variant Classification Process June 2021. Collection method: clinical testing. Allele origin: germline.
Comment: In silico analysis supports that this missense variant has a deleterious effect on protein structure/function; Has not been previously published as pathogenic or benign to our knowledge

Labcorp Genetics (formerly Invitae), Labcorp
Classification: Likely benign for Brugada syndrome. Last evaluated: 2025-11-01. Review status: criteria provided, single submitter. Criteria: Invitae Variant Classification Sherloc (09022015). Collection method: clinical testing. Allele origin: germline.

Mayo Clinic Laboratories, Mayo Clinic
Classification: Uncertain significance. Last evaluated: 2023-06-14. Review status: criteria provided, single submitter. Criteria: ACMG Guidelines, 2015. Collection method: clinical testing. Allele origin: germline. Observed: 1 variant allele.

Ambry Genetics
Classification: Likely benign for Cardiovascular phenotype. Last evaluated: 2019-09-13. Review status: criteria provided, single submitter. Criteria: Ambry Variant Classification Scheme 2023. Collection method: clinical testing. Allele origin: germline.

NM_006514.4(SCN10A):c.251C>T (p.Pro84Leu)

Gene: SCN10A (sodium voltage-gated channel alpha subunit 10; minus strand). Cytogenetic location: 3p22.2.
Variant type: single nucleotide variant.
Coding change: c.251C>T on transcript NM_006514.4 (MANE Select); coding-DNA position 251, C replaced by T.
Protein change: p.Pro84Leu; replaces proline 84 with leucine.
Molecular consequence: missense variant.
Genome position (GRCh38, 1-based): chr3:38,793,760, G>A on the plus strand (C>T on the coding strand, the complement: SCN10A is on the minus strand). VCF-style: chr3-38793760-G-A. GRCh37 (hg19) VCF-style: chr3-38835251-G-A.
Other names: p.Pro84Leu; c.251C>T, p.Pro84Leu (NM_001293306.2, NM_001293307.2); short protein forms P84L.
Identifiers: ClinVar variation 698885 (VCV000698885.12), dbSNP rs140609990, ClinGen allele CA2321275.